The following is an entry in ClinVar:

ClinVar aggregate classification (germline): Uncertain significance. Review status: criteria provided, multiple submitters, no conflicts (2 of 4 stars). 3 submissions from 3 submitters: Uncertain significance (3). Last evaluated 2025-12-22.

Conditions:
Baller-Gerold syndrome (BGS). Also called: CRANIOSYNOSTOSIS WITH RADIAL DEFECTS. Identifiers: Orphanet 1225, MedGen C0265308, MONDO:0009039, OMIM 218600.
RECQL4-related disorder. Also called: RECQL4-related disorders; RECQL4-related condition.
Inborn genetic diseases. Identifiers: MedGen C0950123, MeSH D030342.

Allele frequency attached by ClinVar (database versions not stated): ExAC below 0.00001; TOPMed 0.00001; gnomAD exomes 0.00002.
gnomAD v4.1: 15 of 1,566,660 alleles (0.00096%); highest among the groups gnomAD compares: Admixed American, 0.0075%; no homozygotes.

Submissions (3):

PreventionGenetics, part of Exact Sciences
Classification: Uncertain significance for RECQL4-related condition. Last evaluated: 2025-12-22. Review status: criteria provided, single submitter. Criteria: ACMG Guidelines, 2015. Collection method: clinical testing. Allele origin: germline.
Comment: The RECQL4 c.1996G>A variant is predicted to result in the amino acid substitution p.Gly666Arg. To our knowledge, this variant has not been reported in the literature. This variant is reported in 0.011% of alleles in individuals of Latino descent in gnomAD. At this time, the clinical significance of this variant is uncertain due to the absence of conclusive functional and genetic evidence.

Labcorp Genetics (formerly Invitae), Labcorp
Classification: Uncertain significance for Baller-Gerold syndrome. Last evaluated: 2025-08-25. Review status: criteria provided, single submitter. Criteria: Invitae Variant Classification Sherloc (09022015). Collection method: clinical testing. Allele origin: germline.
Comment: This sequence change replaces glycine, which is neutral and non-polar, with arginine, which is basic and polar, at codon 666 of the RECQL4 protein (p.Gly666Arg). The frequency data for this variant in the population databases is considered unreliable, as metrics indicate poor data quality at this position in the gnomAD database. This variant has not been reported in the literature in individuals affected with RECQL4-related conditions. ClinVar contains an entry for this variant (Variation ID: 645585). Invitae Evidence Modeling of protein sequence and biophysical properties (such as structural, functional, and spatial information, amino acid conservation, physicochemical variation, residue mobility, and thermodynamic stability) indicates that this missense variant is not expected to disrupt RECQL4 protein function with a negative predictive value of 80%. In summary, the available evidence is currently insufficient to determine the role of this variant in disease. Therefore, it has been classified as a Variant of Uncertain Significance.

Ambry Genetics
Classification: Uncertain significance for Inborn genetic diseases. Last evaluated: 2024-11-17. Review status: criteria provided, single submitter. Criteria: Ambry Variant Classification Scheme 2023. Collection method: clinical testing. Allele origin: germline.
Comment: The p.G666R variant (also known as c.1996G>A), located in coding exon 12 of the RECQL4 gene, results from a G to A substitution at nucleotide position 1996. The glycine at codon 666 is replaced by arginine, an amino acid with dissimilar properties. This amino acid position is conserved. In addition, this alteration is predicted to be tolerated by in silico analysis. Based on the available evidence, the clinical significance of this variant remains unclear.

NM_004260.4(RECQL4):c.1996G>A (p.Gly666Arg)

Gene: RECQL4 (RecQ like helicase 4; minus strand). Cytogenetic location: 8q24.3.
Variant type: single nucleotide variant.
Coding change: c.1996G>A on transcript NM_004260.4 (MANE Select); coding-DNA position 1996, G replaced by A.
Protein change: p.Gly666Arg; replaces glycine 666 with arginine.
Molecular consequence: missense variant.
Genome position (GRCh38, 1-based): chr8:144,513,990, C>T on the plus strand (G>A on the coding strand, the complement: RECQL4 is on the minus strand). VCF-style: chr8-144513990-C-T. GRCh37 (hg19) VCF-style: chr8-145739374-C-T.
Other names: short protein forms G666R.
Identifiers: ClinVar variation 645585 (VCV000645585.9), dbSNP rs776218553, ClinGen allele CA4948549.